The following is an entry in ClinVar:

ClinVar aggregate classification (germline): Pathogenic. Review status: criteria provided, multiple submitters, no conflicts (2 of 4 stars). 6 submissions from 6 submitters: Pathogenic (5). 1 of the submissions does not count toward it. Last evaluated 2025-12-06.

Conditions:
Hereditary spherocytosis type 4. Also called: SLC4A1-Related Spherocytosis. Identifiers: Orphanet 822, MedGen C2675212, MONDO:0012981, OMIM 612653.

Allele frequency attached by ClinVar (database versions not stated): gnomAD exomes below 0.00001.
gnomAD v4.1: 2 of 1,614,082 alleles (0.00012%); highest among the groups gnomAD compares: Non-Finnish European, 0.00017%; no homozygotes.

Submissions (6):

Labcorp Genetics (formerly Invitae), Labcorp
Classification: Pathogenic. Last evaluated: 2025-12-06. Review status: criteria provided, single submitter. Criteria: Invitae Variant Classification Sherloc (09022015). Collection method: clinical testing. Allele origin: germline.
Comment: This sequence change replaces arginine, which is basic and polar, with histidine, which is basic and polar, at codon 490 of the SLC4A1 protein (p.Arg490His). This variant is not present in population databases (gnomAD no frequency). This missense change has been observed in individual(s) with hereditary spherocytosis (PMID: 10580570, 31126250). It has also been observed to segregate with disease in related individuals. ClinVar contains an entry for this variant (Variation ID: 811391). Invitae Evidence Modeling of protein sequence and biophysical properties (such as structural, functional, and spatial information, amino acid conservation, physicochemical variation, residue mobility, and thermodynamic stability) indicates that this missense variant is expected to disrupt SLC4A1 protein function with a positive predictive value of 80%. For these reasons, this variant has been classified as Pathogenic.

ARUP Laboratories, Molecular Genetics and Genomics, ARUP Laboratories
Classification: Pathogenic. Last evaluated: 2025-07-23. Review status: criteria provided, single submitter. Criteria: ARUP Molecular Germline Variant Investigation Process 2024. Collection method: clinical testing. Allele origin: germline.
Comment: The SLC4A1 c.1469G>A; p.Arg490His variant (rs1598299485; ClinVar Variation ID: 811391), is reported in the literature in several individuals affected with hereditary spherocytosis (Lima 1999, Shen 2019, Svidnicki 2020, Van Zwieten 2013, Vives-Corrons 2021). This variant is absent from the Genome Aggregation Database (v2.1.1), indicating it is not a common polymorphism. Additionally, another variant at this codon (c.1468C>T; p.Arg490Cys) has been reported in individuals with spherocytosis and is considered pathogenic (Dhermy 1997, Wang 2018). Computational analyses predict that this variant is deleterious (REVEL: 0.867). Based on available information, p.Arg490His variant is considered to be pathogenic. References: Dhermy D et al. Heterogenous band 3 deficiency in hereditary spherocytosis related to different band 3 gene defects. Br J Haematol. 1997 Jul. PMID: 9233560 Lima PR et al. Arginine 490 is a hot spot for mutation in the band 3 gene in hereditary spherocytosis. Eur J Haematol. 1999 Nov. PMID: 10580570 Shen H et al. Two different pathogenic gene mutations coexisted in the same hereditary spherocytosis family manifested with heterogeneous phenotypes. BMC Med Genet. 2019 May 24. PMID: 31126250 Svidnicki M et al. Targeted next-generation sequencing identified novel mutations associated with hereditary anemias in Brazil. Ann Hematol. 2020 May. PMID: 32266426 Van Zwieten R et al. Hereditary spherocytosis due to band 3 deficiency: 15 novel mutations in SLC4A1. Am J Hematol. 2013 Feb. PMID: 23255290 Vives-Corrons JL et al. Characterization of hereditary red blood cell membranopathies using combined targeted next-generation sequencing and osmotic gradient ektacytometry. Int J Hematol. 2021 Feb. PMID: 33074480 Wang R et al. Exome sequencing confirms molecular diagnoses in 38 Chinese families with hereditary spherocytosis. Sci China Life Sci. 2018 Aug. PMID: 29572776

3billion
Classification: Pathogenic for Hereditary spherocytosis type 4. Last evaluated: 2025-04-14. Review status: criteria provided, single submitter. Criteria: ACMG Guidelines, 2015. Collection method: clinical testing. Allele origin: germline. Affected: yes.
Comment: The variant is observed at an extremely low frequency in the gnomAD v4.1.0 dataset (total allele frequency: <0.001%). Predicted Consequence/Location: Missense variant In silico tool predictions suggest damaging effect of the variant on gene or gene product [REVEL: 0.87 (>=0.6, sensitivity 0.68 and specificity 0.92); 3Cnet: 0.87 (> 0.75, sensitivity 0.96 and precision 0.92)]. The same nucleotide change resulting in the same amino acid change has been previously reported as pathogenic/likely pathogenic with strong evidence (ClinVar ID: VCV000811391 / PMID: 10580570). The variant has been reported to co-segregate with the disease in at least 3 similarly affected relatives/individuals in the same family or similarly affected unrelated families (PMID: 31126250). A different missense change at the same codon (p.Arg490Cys) has been reported as pathogenic/likely pathogenic with strong evidence (ClinVar ID: VCV001162816 / PMID: 9233560). Therefore, this variant is classified as Pathogenic according to the recommendation of ACMG/AMP guideline.

Mayo Clinic Laboratories, Mayo Clinic
Classification: Pathogenic. Last evaluated: 2024-05-30. Review status: criteria provided, single submitter. Criteria: ACMG Guidelines, 2015. Collection method: clinical testing. Allele origin: germline.
Comment: PP1_strong, PP3, PM1, PM2_moderate, PS4_moderate

Revvity Omics, Revvity
Classification: Pathogenic. Last evaluated: 2023-10-27. Review status: criteria provided, single submitter. Criteria: ACMG Guidelines, 2015. Collection method: clinical testing. Allele origin: germline.

Clinical Genetics Laboratory, University Hospital Schleswig-Holstein
Classification: Pathogenic for Hereditary spherocytosis type 4. Last evaluated: 2024-02-14. Review status: no assertion criteria provided. Collection method: clinical testing. Allele origin: germline. Affected: yes. Not counted in ClinVar's aggregate classification.

Literature cited by the submitters: PubMed 10580570 (cited by 3 submitters); PubMed 31126250 (cited by 3 submitters); PubMed 9233560 (cited by 3billion); PubMed 23255290 (cited by Mayo Clinic Laboratories, Mayo Clinic); PubMed 32266426 (cited by Mayo Clinic Laboratories, Mayo Clinic); PubMed 33074480 (cited by Mayo Clinic Laboratories, Mayo Clinic); PubMed 34093240 (cited by Mayo Clinic Laboratories, Mayo Clinic); PubMed 35022413 (cited by Mayo Clinic Laboratories, Mayo Clinic); PubMed 36035481 (cited by Mayo Clinic Laboratories, Mayo Clinic).

NM_000342.4(SLC4A1):c.1469G>A (p.Arg490His)

Gene: SLC4A1 (solute carrier family 4 member 1 (Diego blood group); minus strand). Cytogenetic location: 17q21.31.
Variant type: single nucleotide variant.
Coding change: c.1469G>A on transcript NM_000342.4 (MANE Select); coding-DNA position 1469, G replaced by A.
Protein change: p.Arg490His; replaces arginine 490 with histidine.
Molecular consequence: missense variant.
Genome position (GRCh38, 1-based): chr17:44,257,507, C>T on the plus strand (G>A on the coding strand, the complement: SLC4A1 is on the minus strand). VCF-style: chr17-44257507-C-T. GRCh37 (hg19) VCF-style: chr17-42334875-C-T.
Other names: p.Arg490His; c.1469G>A (NM_000342.3); short protein forms R490H.
Identifiers: ClinVar variation 811391 (VCV000811391.19), dbSNP rs1598299485, ClinGen allele CA399785928.